The following is an entry in ClinVar:

NM_001347721.2(DYRK1A):c.436T>C (p.Trp146Arg)

Gene: DYRK1A (dual specificity tyrosine phosphorylation regulated kinase 1A; plus strand). Cytogenetic location: 21q22.13.
Variant type: single nucleotide variant.
Coding change: c.436T>C on transcript NM_001347721.2 (MANE Select); coding-DNA position 436, T replaced by C.
Protein change: p.Trp146Arg; replaces tryptophan 146 with arginine.
Molecular consequence: missense variant.
Genome position (GRCh38, 1-based): chr21:37,480,773, T>C. VCF-style: chr21-37480773-T-C. GRCh37 (hg19) VCF-style: chr21-38853075-T-C.
Other names: c.436T>C, p.Trp146Arg (NM_001347722.2, NM_130436.2); c.349T>C, p.Trp117Arg (NM_001347723.2); c.463T>C, p.Trp155Arg (NM_001396.5, NM_101395.2, NM_130438.2); short protein forms W155R, W117R, W146R.
Identifiers: ClinVar variation 2834677 (VCV002834677.3), dbSNP rs2517988131, ClinGen allele CA409944481.
Genomic context (GRCh38, chr21:37,480,773, plus strand): 5'-GTTTACAATGATGGTTATGATGATGATAACTATGATTATATTGTAAAAAACGGAGAAAAG[T>C]GGATGGATCGTTACGAAATTGACTCCTTGATAGGCAAAGGTTCCTTTGGACAGGTAATTT-3'
Protein context (NP_001334650.1, residues 136-156): YDYIVKNGEK[Trp146Arg]MDRYEIDSLI

ClinVar aggregate classification (germline): Uncertain significance (1 of 4 stars; one submission).

Conditions:
DYRK1A-related intellectual disability syndrome (MRD7). Also called: DYRK1A Syndrome; Intellectual developmental disorder, autosomal dominant 7. Identifiers: Orphanet 464306, MedGen C5568143, MONDO:0013578, OMIM 614104.

Submission:

Labcorp Genetics (formerly Invitae), Labcorp
Classification: Uncertain significance for DYRK1A-related intellectual disability syndrome. Last evaluated: 2023-02-04. Review status: criteria provided, single submitter. Criteria: Invitae Variant Classification Sherloc (09022015). Collection method: clinical testing. Allele origin: germline.
Comment: In summary, the available evidence is currently insufficient to determine the role of this variant in disease. Therefore, it has been classified as a Variant of Uncertain Significance. Advanced modeling of protein sequence and biophysical properties (such as structural, functional, and spatial information, amino acid conservation, physicochemical variation, residue mobility, and thermodynamic stability) has been performed at Invitae for this missense variant, however the output from this modeling did not meet the statistical confidence thresholds required to predict the impact of this variant on DYRK1A protein function. This variant has not been reported in the literature in individuals affected with DYRK1A-related conditions. This variant is not present in population databases (gnomAD no frequency). This sequence change replaces tryptophan, which is neutral and slightly polar, with arginine, which is basic and polar, at codon 155 of the DYRK1A protein (p.Trp155Arg).